The following is an entry in ClinVar:

NM_000038.6(APC):c.6945A>G (p.Gln2315=)

Gene: APC (APC regulator of Wnt signaling pathway; plus strand). Cytogenetic location: 5q22.2.
Variant type: single nucleotide variant.
Coding change: c.6945A>G on transcript NM_000038.6 (MANE Select); coding-DNA position 6945, A replaced by G.
Protein change: p.Gln2315=; no amino-acid change (glutamine 2315 retained).
Molecular consequence: synonymous variant.
Genome position (GRCh38, 1-based): chr5:112,842,539, A>G. VCF-style: chr5-112842539-A-G. GRCh37 (hg19) VCF-style: chr5-112178236-A-G.
Other names: c.6945A>G, p.Gln2315= (NM_001127510.3, NM_001354895.2); c.6891A>G, p.Gln2297= (NM_001127511.3); c.6999A>G, p.Gln2333= (NM_001354896.2); c.6975A>G, p.Gln2325= (NM_001354897.2); c.6870A>G, p.Gln2290= (NM_001354898.2); c.6861A>G, p.Gln2287= (NM_001354899.2); c.6822A>G, p.Gln2274= (NM_001354900.2); c.6768A>G, p.Gln2256= (NM_001354901.2); and 5 more.
Identifiers: ClinVar variation 184234 (VCV000184234.29), dbSNP rs786201348, ClinGen allele CA012684.

ClinVar aggregate classification (germline): Benign/Likely benign. Review status: criteria provided, multiple submitters, no conflicts (2 of 4 stars). 11 submissions from 11 submitters: Benign (1); Likely benign (7). 3 of the submissions do not count toward it. Last evaluated 2026-01-18.

Conditions:
Classic or attenuated familial adenomatous polyposis. Identifiers: MedGen CN372698, MONDO:0021057.
APC-related disorder. Also called: APC-related condition.
Hereditary cancer-predisposing syndrome. Also called: Tumor predisposition; Neoplastic Syndromes, Hereditary; Hereditary neoplastic syndrome; Hereditary Cancer Syndrome. Identifiers: Orphanet 140162, MedGen C0027672, MeSH D009386, MONDO:0015356.
Familial adenomatous polyposis 1 (FAP1). Also called: FAMILIAL ADENOMATOUS POLYPOSIS 1, ATTENUATED; POLYPOSIS, ADENOMATOUS INTESTINAL. Identifiers: MedGen C2713442, MONDO:0021056, OMIM 175100. Disease mechanism: loss of function.

Allele frequency attached by ClinVar (database versions not stated): gnomAD exomes 0.00001; TOPMed 0.00001; gnomAD 0.00003.
gnomAD v4.1: 23 of 1,613,896 alleles (0.0014%); highest among the groups gnomAD compares: Non-Finnish European, 0.0019%; no homozygotes.

Submissions (11):

Labcorp Genetics (formerly Invitae), Labcorp
Classification: Likely benign for Familial adenomatous polyposis 1. Last evaluated: 2026-01-18. Review status: criteria provided, single submitter. Criteria: Invitae Variant Classification Sherloc (09022015). Collection method: clinical testing. Allele origin: germline.

Blueprint Genetics
Classification: Likely benign. Last evaluated: 2024-08-07. Review status: criteria provided, single submitter. Criteria: ACMG Guidelines, 2015. Collection method: clinical testing. Allele origin: germline.

All of Us Research Program, National Institutes of Health
Classification: Likely benign for Classic or attenuated familial adenomatous polyposis. Last evaluated: 2023-12-01. Review status: criteria provided, single submitter. Criteria: ACMG Guidelines, 2015. Collection method: clinical testing. Allele origin: germline. Inheritance: Autosomal dominant inheritance. Observed: 4 variant alleles, 4 heterozygotes.
Comment: This study involves interpretation of variants in research participants for the purpose of population health screening. Participant phenotype was not available at the time of variant classification. Additional details can be found in publication PMID: 35346344, PMCID: PMC8962531

Myriad Genetics, Inc.
Classification: Benign for Familial adenomatous polyposis 1. Last evaluated: 2023-02-17. Review status: criteria provided, single submitter. Criteria: Myriad Autosomal Dominant, Autosomal Recessive and X-Linked Classification Criteria (2023). Collection method: clinical testing. Allele origin: unknown.
Comment: This variant is considered benign. This variant is a silent/synonymous amino acid change and it is not expected to impact splicing.

Sema4
Classification: Likely benign for Hereditary cancer-predisposing syndrome. Last evaluated: 2021-09-11. Review status: criteria provided, single submitter. Criteria: Sema4 Curation Guidelines. Collection method: curation. Allele origin: germline.

GeneDx
Classification: Likely benign. Last evaluated: 2019-10-16. Review status: criteria provided, single submitter. Criteria: GeneDx Variant Classification Process June 2021. Collection method: clinical testing. Allele origin: germline. Affected: yes.

Color Diagnostics, LLC DBA Color Health
Classification: Likely benign for Hereditary cancer-predisposing syndrome. Last evaluated: 2017-12-14. Review status: criteria provided, single submitter. Criteria: ACMG Guidelines, 2015. Collection method: clinical testing. Allele origin: germline.

Ambry Genetics
Classification: Likely benign for Hereditary cancer-predisposing syndrome. Last evaluated: 2015-05-11. Review status: criteria provided, single submitter. Criteria: Ambry Variant Classification Scheme 2023. Collection method: clinical testing. Allele origin: germline.

PreventionGenetics, part of Exact Sciences
Classification: Likely benign for APC-related condition. Last evaluated: 2019-08-13. Review status: no assertion criteria provided. Collection method: clinical testing. Allele origin: germline. Not counted in ClinVar's aggregate classification.
Comment: This variant is classified as likely benign based on ACMG/AMP sequence variant interpretation guidelines (Richards et al. 2015 PMID: 25741868, with internal and published modifications).

Counsyl
Classification: Likely benign for Familial adenomatous polyposis 1. Last evaluated: 2016-06-23. Review status: no assertion criteria provided. Collection method: clinical testing. Allele origin: unknown. Not counted in ClinVar's aggregate classification.

Department of Pathology and Laboratory Medicine, Sinai Health System
Classification: Likely benign for Familial adenomatous polyposis 1. Review status: no assertion criteria provided. Collection method: clinical testing. Allele origin: unknown. Affected: yes. Study: The Canadian Open Genetics Repository (COGR). Not counted in ClinVar's aggregate classification.
Comment: The APC p.Gln2315= variant was not identified in the literature nor was it identified in the LOVD 3.0 or UMD-LSDB databases. The variant was identified in dbSNP (ID: rs786201348) as "With Likely benign alleleâ€šÃ„Ã¹, ClinVar (classified as likely benign by Invitae, Ambry Genetics and three other submitters). The variant was identified in control databases in 3 of 276668 chromosomes at a frequency of 0.00001 (Genome Aggregation Database Feb 27, 2017). The variant was observed in the European population in 3 of 126290 chromosomes (freq: 0.00002), while it was not observed in the African, Other, Latino, Ashkenazi Jewish, East Asian, Finnish, or South Asian populations. The p.Gln2315= variant is not expected to have clinical significance because it does not result in a change of amino acid and is not located in a known consensus splice site. In addition, in silico or computational prediction software programs (SpliceSiteFinder, MaxEntScan, NNSPLICE, GeneSplicer) do not predict a difference in splicing. In summary, based on the above information, the clinical significance of this variant cannot be determined with certainty at this time although we would lean towards a more benign role for this variant. This variant is classified as likely benign.